The following is an entry in ClinVar:

ClinVar aggregate classification (germline): Benign/Likely benign. Review status: criteria provided, multiple submitters, no conflicts (2 of 4 stars). 3 submissions from 3 submitters: Benign (1); Likely benign (2). Last evaluated 2024-07-23.

Conditions:
Hereditary cancer-predisposing syndrome. Also called: Tumor predisposition; Hereditary neoplastic syndrome; Neoplastic Syndromes, Hereditary; Hereditary Cancer Syndrome. Identifiers: Orphanet 140162, MedGen C0027672, MeSH D009386, MONDO:0015356.
Familial cancer of breast. Also called: hereditary breast carcinoma; Hereditary breast cancer; BREAST CANCER, FAMILIAL. Identifiers: Orphanet 227535, MedGen C0346153, MONDO:0016419, OMIM 114480. Disease mechanism: loss of function.

Allele frequency attached by ClinVar (database versions not stated): gnomAD exomes 0.00001.
gnomAD v4.1: 7 of 1,613,656 alleles (0.00043%); highest among the groups gnomAD compares: East Asian, 0.0045%; no homozygotes.

Submissions (3):

Myriad Genetics, Inc.
Classification: Benign for Familial cancer of breast. Last evaluated: 2024-07-23. Review status: criteria provided, single submitter. Criteria: Myriad Autosomal Dominant, Autosomal Recessive and X-Linked Classification Criteria (2023). Collection method: clinical testing. Allele origin: unknown.
Comment: This variant is considered benign. This variant is a silent/synonymous amino acid change and it is not expected to impact splicing.

Ambry Genetics
Classification: Likely benign for Hereditary cancer-predisposing syndrome. Last evaluated: 2016-03-09. Review status: criteria provided, single submitter. Criteria: Ambry Variant Classification Scheme 2023. Collection method: clinical testing. Allele origin: germline.

GeneDx
Classification: Likely benign. Last evaluated: 2015-11-30. Review status: criteria provided, single submitter. Criteria: GeneDx Variant Classification (06012015). Collection method: clinical testing. Allele origin: germline. Affected: yes.
Comment: This variant is considered likely benign or benign based on one or more of the following criteria: it is a conservative change, it occurs at a poorly conserved position in the protein, it is predicted to be benign by multiple in silico algorithms, and/or has population frequency not consistent with disease.

NM_000465.4(BARD1):c.918T>C (p.Asn306=)

Gene: BARD1 (BRCA1 associated RING domain 1; minus strand). Cytogenetic location: 2q35.
Variant type: single nucleotide variant.
Coding change: c.918T>C on transcript NM_000465.4 (MANE Select); coding-DNA position 918, T replaced by C.
Protein change: p.Asn306=; no amino-acid change (asparagine 306 retained).
Molecular consequence: synonymous variant. On other transcripts: non-coding transcript variant (2), intron variant (3).
Genome position (GRCh38, 1-based): chr2:214,780,956, A>G on the plus strand (T>C on the coding strand, the complement: BARD1 is on the minus strand). VCF-style: chr2-214780956-A-G. GRCh37 (hg19) VCF-style: chr2-215645680-A-G.
Other names: c.861T>C, p.Asn287= (NM_001282543.2); c.159-28401T>C (NM_001282548.2); c.215+16105T>C (NM_001282545.2); c.364+11341T>C (NM_001282549.2).
Identifiers: ClinVar variation 381971 (VCV000381971.6), dbSNP rs1057521226, ClinGen allele CA16604127.